The following is an entry in ClinVar:

ClinVar aggregate classification (germline): Uncertain significance (1 of 4 stars; one submission).

Submission:

Labcorp Genetics (formerly Invitae), Labcorp
Classification: Uncertain significance. Last evaluated: 2025-05-19. Review status: criteria provided, single submitter. Criteria: Invitae Variant Classification Sherloc (09022015). Collection method: clinical testing. Allele origin: germline.
Comment: This sequence change falls in intron 1 of the POLE gene. It does not directly change the encoded amino acid sequence of the POLE protein. It affects a nucleotide within the consensus splice site. This variant is not present in population databases (gnomAD no frequency). This variant has not been reported in the literature in individuals affected with POLE-related conditions. ClinVar contains an entry for this variant (Variation ID: 2428244). Variants that disrupt the consensus splice site are a relatively common cause of aberrant splicing (PMID: 17576681, 9536098). Algorithms developed to predict the effect of sequence changes on RNA splicing suggest that this variant may disrupt the consensus splice site. In summary, the available evidence is currently insufficient to determine the role of this variant in disease. Therefore, it has been classified as a Variant of Uncertain Significance.

Literature cited by the submitters: PubMed 17576681; PubMed 9536098.

NM_006231.4(POLE):c.62+3G>T

Genes: POLE (DNA polymerase epsilon, catalytic subunit; minus strand), LOC130009266 (ATAC-STARR-seq lymphoblastoid silent region 5123; plus strand). Cytogenetic location: 12q24.33.
Variant type: single nucleotide variant.
Coding change: c.62+3G>T on transcript NM_006231.4 (MANE Select); 3 bases into the intron after coding-DNA position 62, G replaced by T.
Molecular consequence: intron variant.
Genome position (GRCh38, 1-based): chr12:132,687,251, C>A on the plus strand (G>T on the coding strand, the complement: POLE is on the minus strand). VCF-style: chr12-132687251-C-A. GRCh37 (hg19) VCF-style: chr12-133263837-C-A.
Identifiers: ClinVar variation 2428244 (VCV002428244.7), dbSNP rs1162592571, ClinGen allele CA608264247.